The following is an entry in ClinVar:

ClinVar aggregate classification (germline): Benign/Likely benign. Review status: criteria provided, multiple submitters, no conflicts (2 of 4 stars). 7 submissions from 7 submitters: Benign (1); Likely benign (5). 1 of the submissions does not count toward it. Last evaluated 2026-07-01.

Conditions:
SKI-related disorder. Also called: SKI-related condition.
Familial thoracic aortic aneurysm and aortic dissection (TAAD). Also called: Thoracic aortic aneurysms and dissections. Identifiers: Orphanet 91387, MedGen C4707243, MONDO:0019625.
Shprintzen-Goldberg syndrome (SGS). Also called: Marfanoid disorder with craniosynostosis type 1; Marfanoid craniosynostosis syndrome; Shprintzen-Goldberg marfanoid syndrome; SHPRINTZEN-GOLDBERG CRANIOSYNOSTOSIS SYNDROME; CRANIOSYNOSTOSIS WITH ARACHNODACTYLY AND ABDOMINAL HERNIAS. Identifiers: Orphanet 2462, MedGen C1321551, MONDO:0008426, OMIM 182212.

Allele frequency attached by ClinVar (database versions not stated): gnomAD 0.00014 and 0.00016; gnomAD exomes 0.00016 and 0.00033; ExAC 0.00019; TOPMed 0.00020; ESP Exome Variant Server 0.00039.
gnomAD v4.1: 487 of 1,611,422 alleles (0.03%); highest among the groups gnomAD compares: Non-Finnish European, 0.04%; no homozygotes.

Submissions (7):

CeGaT Center for Human Genetics Tuebingen
Classification: Likely benign. Last evaluated: 2026-07-01. Review status: criteria provided, single submitter. Criteria: CeGaT Center For Human Genetics Tuebingen Variant Classification Criteria Version 2. Collection method: clinical testing. Allele origin: germline. Affected: yes. Observed: 1 variant allele.
Comment: SKI: BP4, BP7

Labcorp Genetics (formerly Invitae), Labcorp
Classification: Likely benign for Shprintzen-Goldberg syndrome. Last evaluated: 2026-02-02. Review status: criteria provided, single submitter. Criteria: Invitae Variant Classification Sherloc (09022015). Collection method: clinical testing. Allele origin: germline.

Blueprint Genetics
Classification: Likely benign. Last evaluated: 2024-11-08. Review status: criteria provided, single submitter. Criteria: ACMG Guidelines, 2015. Collection method: clinical testing. Allele origin: germline.

ARUP Laboratories, Molecular Genetics and Genomics, ARUP Laboratories
Classification: Likely benign for Shprintzen-Goldberg syndrome. Last evaluated: 2024-03-18. Review status: criteria provided, single submitter. Criteria: ARUP Molecular Germline Variant Investigation Process 2024. Collection method: clinical testing. Allele origin: germline.

Ambry Genetics
Classification: Likely benign for Familial thoracic aortic aneurysm and aortic dissection. Last evaluated: 2016-12-09. Review status: criteria provided, single submitter. Criteria: Ambry Variant Classification Scheme 2023. Collection method: clinical testing. Allele origin: germline.

GeneDx
Classification: Benign. Last evaluated: 2015-05-18. Review status: criteria provided, single submitter. Criteria: GeneDx Variant Classification (06012015). Collection method: clinical testing. Allele origin: germline. Affected: yes.
Comment: This variant is considered likely benign or benign based on one or more of the following criteria: it is a conservative change, it occurs at a poorly conserved position in the protein, it is predicted to be benign by multiple in silico algorithms, and/or has population frequency not consistent with disease.

PreventionGenetics, part of Exact Sciences
Classification: Likely benign for SKI-related condition. Last evaluated: 2021-08-04. Review status: no assertion criteria provided. Collection method: clinical testing. Allele origin: germline. Not counted in ClinVar's aggregate classification.
Comment: This variant is classified as likely benign based on ACMG/AMP sequence variant interpretation guidelines (Richards et al. 2015 PMID: 25741868, with internal and published modifications).

NM_003036.4(SKI):c.799C>T (p.Leu267=)

Gene: SKI (SKI proto-oncogene; plus strand). Cytogenetic location: 1p36.33.
Variant type: single nucleotide variant.
Coding change: c.799C>T on transcript NM_003036.4 (MANE Select); coding-DNA position 799, C replaced by T.
Protein change: p.Leu267=; no amino-acid change (leucine 267 retained).
Molecular consequence: synonymous variant.
Genome position (GRCh38, 1-based): chr1:2,229,565, C>T. VCF-style: chr1-2229565-C-T. GRCh37 (hg19) VCF-style: chr1-2161004-C-T.
Other names: p.L267L:CTG>TTG.
Identifiers: ClinVar variation 213663 (VCV000213663.26), dbSNP rs140178396, ClinGen allele CA325304.
Genomic context (GRCh38, chr1:2,229,565, plus strand): 5'-TGCCTGGACTGCCGCCTCATGTACCCGCCGCACAAGTTCGTGGTGCACTCGCACAAGGCC[C>T]TGGAGAACCGGACCTGCCACTGGGGCTTCGACTCGGCCAACTGGCGGGCCTACATCCTGC-3'
Protein context (NP_003027.1, residues 257-277): HKFVVHSHKA[Leu267=]ENRTCHWGFD